The following is an entry in ClinVar:

NM_000018.4(ACADVL):c.1508del (p.Gly503fs)

Gene: ACADVL (acyl-CoA dehydrogenase very long chain; plus strand). Cytogenetic location: 17p13.1.
Variant type: Deletion.
Coding change: c.1508del on transcript NM_000018.4 (MANE Select); coding-DNA position 1508, one base deleted (G; older notation c.1508delG).
Protein change: p.Gly503fs; shifts the reading frame from glycine 503.
Molecular consequence: frameshift variant.
Genome position (GRCh38, 1-based): chr17:7,224,219, G deleted; the last of 2 consecutive G bases (chr17:7,224,218-7,224,219); deleting either gives the same sequence. VCF-style (leftmost placement, unchanged base first): chr17-7224217-AG-A. GRCh37 (hg19) VCF-style: chr17-7127536-AG-A.
Other names: NM_000018.4(ACADVL):c.1508del; p.Gly503fs; c.1442del, p.Gly481fs (NM_001033859.3); c.1577del, p.Gly526fs (NM_001270447.2); c.1280del, p.Gly427fs (NM_001270448.2); short protein forms G427fs, G481fs, G526fs, G503fs.
Identifiers: ClinVar variation 839947 (VCV000839947.10), dbSNP rs1214222702, ClinGen allele CA624860719.

ClinVar aggregate classification (germline): Likely pathogenic. Review status: reviewed by expert panel (3 of 4 stars). 3 submissions from 3 submitters: Likely pathogenic (1). 2 of the submissions do not count toward it. Last evaluated 2022-12-14.

Conditions:
Very long chain acyl-CoA dehydrogenase deficiency (ACADVLD). Also called: VLCAD Deficiency; Very Long-Chain Acyl-Coenzyme A Dehydrogenase Deficiency. Identifiers: Orphanet 26793, MedGen C3887523, MONDO:0008723, OMIM 201475.

Submissions (3):

ClinGen ACADVL Variant Curation Expert Panel, ClinGen
Classification: Likely pathogenic for Very long chain acyl-CoA dehydrogenase deficiency. Last evaluated: 2022-12-14. Review status: reviewed by expert panel. Criteria: clingen acadvl acmg specifications v1. Collection method: curation. Allele origin: germline. Inheritance: Autosomal recessive inheritance.
Comment: The c.1508del (p.Gly503fs) variant in ACADVL, also known as p.Gly503GlufsTer7, is a frameshift variant predicted to cause a premature stop codon in biologically-relevant-exon 15/20 leading to nonsense mediated decay in a gene in which loss-of-function is an established disease mechanism (PVS1; PMIDs 9973285, 11590124). The highest population minor allele frequency in gnomAD v2.1.1 is 0.000008796 in the European (non-Finnish) population, which is lower than the ClinGen ACADVL Variant Curation Expert Panel threshold (<0.001) for PM2_Supporting, meeting this criterion (PM2_Supporting). In summary, this variant meets the criteria to be classified as likely pathogenic for autosomal recessive very long chain acyl-CoA dehydrogenase (VLCAD) deficiency based on the ACMG/AMP criteria applied, as specified by the ClinGen ACADVL Variant Curation Expert Panel: PVS1, PM2_Supporting. (ACADVL VCEP specifications version 1; approved November 8, 2021

Myriad Genetics, Inc.
Classification: Pathogenic for Very long chain acyl-CoA dehydrogenase deficiency. Last evaluated: 2024-09-28. Review status: criteria provided, single submitter. Criteria: Myriad Autosomal Dominant, Autosomal Recessive and X-Linked Classification Criteria (2023). Collection method: clinical testing. Allele origin: unknown. Not counted in ClinVar's aggregate classification.
Comment: NM_000018.3(ACADVL):c.1508delG(G503Efs*7) is expected to be pathogenic in the context of very-long-chain acyl-CoA dehydrogenase deficiency. This variant is predicted to lead to an abnormal or absent protein product due to the creation of a premature termination codon in ACADVL, a gene where loss-of-function variants are known to be pathogenic. Please note: this variant was assessed in the context of healthy population screening.

Labcorp Genetics (formerly Invitae), Labcorp
Classification: Pathogenic for Very long chain acyl-CoA dehydrogenase deficiency. Last evaluated: 2019-05-31. Review status: criteria provided, single submitter. Criteria: Invitae Variant Classification Sherloc (09022015). Collection method: clinical testing. Allele origin: germline. Not counted in ClinVar's aggregate classification.
Comment: For these reasons, this variant has been classified as Pathogenic. Loss-of-function variants in ACADVL are known to be pathogenic (PMID: 9973285, 11590124). This variant has not been reported in the literature in individuals with ACADVL-related conditions. This variant is not present in population databases (ExAC no frequency). This sequence change creates a premature translational stop signal (p.Gly503Glufs*7) in the ACADVL gene. It is expected to result in an absent or disrupted protein product.

Literature cited by the submitters: PubMed 9973285 (cited by Labcorp Genetics (formerly Invitae), Labcorp); PubMed 11590124 (cited by Labcorp Genetics (formerly Invitae), Labcorp).